The following is an entry in ClinVar:

ClinVar aggregate classification (germline): Uncertain significance (1 of 4 stars; one submission).

Submission:

Labcorp Genetics (formerly Invitae), Labcorp
Classification: Uncertain significance. Last evaluated: 2024-12-10. Review status: criteria provided, single submitter. Criteria: Invitae Variant Classification Sherloc (09022015). Collection method: clinical testing. Allele origin: germline.
Comment: This sequence change replaces cysteine, which is neutral and slightly polar, with tryptophan, which is neutral and slightly polar, at codon 114 of the CFH protein (p.Cys114Trp). This variant is not present in population databases (gnomAD no frequency). This variant has not been reported in the literature in individuals affected with CFH-related conditions. An algorithm developed to predict the effect of missense changes on protein structure and function (PolyPhen-2) suggests that this variant is likely to be disruptive. In summary, the available evidence is currently insufficient to determine the role of this variant in disease. Therefore, it has been classified as a Variant of Uncertain Significance.

NM_000186.4(CFH):c.342T>G (p.Cys114Trp)

Gene: CFH (complement factor H; plus strand). Cytogenetic location: 1q31.3.
Variant type: single nucleotide variant.
Coding change: c.342T>G on transcript NM_000186.4 (MANE Select); coding-DNA position 342, T replaced by G.
Protein change: p.Cys114Trp; replaces cysteine 114 with tryptophan.
Molecular consequence: missense variant.
Genome position (GRCh38, 1-based): chr1:196,673,954, T>G. VCF-style: chr1-196673954-T-G. GRCh37 (hg19) VCF-style: chr1-196643084-T-G.
Other names: c.342T>G, p.Cys114Trp (NM_001014975.3); short protein forms C114W.
Identifiers: ClinVar variation 3727018 (VCV003727018.2).
Genomic context (GRCh38, chr1:196,673,954, plus strand): 5'-TACTTTTACCCTTACAGGAGGAAATGTGTTTGAATATGGTGTAAAAGCTGTGTATACATG[T>G]AATGAGGGGTATGTAGTCCATACGAAAAGAGGTTTATAATTAAGATAGTAAATAGGAACT-3'
Protein context (NP_000177.2, residues 104-124): FEYGVKAVYT[Cys114Trp]NEGYQLLGEI